The following is an entry in ClinVar:

NM_004586.3(RPS6KA3):c.56C>G (p.Ser19Cys)

Genes: RPS6KA3 (ribosomal protein S6 kinase A3; minus strand), LOC130068032 (ATAC-STARR-seq lymphoblastoid silent region 20696; plus strand). Cytogenetic location: Xp22.12.
Variant type: single nucleotide variant.
Coding change: c.56C>G on transcript NM_004586.3 (MANE Select); coding-DNA position 56, C replaced by G.
Protein change: p.Ser19Cys; replaces serine 19 with cysteine.
Molecular consequence: missense variant.
Genome position (GRCh38, 1-based): chrX:20,266,577, G>C on the plus strand (C>G on the coding strand, the complement: RPS6KA3 is on the minus strand). VCF-style: chrX-20266577-G-C. GRCh37 (hg19) VCF-style: chrX-20284695-G-C.
Other names: short protein forms S19C.
Identifiers: ClinVar variation 2662267 (VCV002662267.1), dbSNP rs2070393503, ClinGen allele CA412510433.

ClinVar aggregate classification (germline): Uncertain significance (1 of 4 stars; one submission).

Allele frequency attached by ClinVar (database versions not stated): gnomAD 0.00001; TOPMed 0.00001.
gnomAD v4.1: 1 of 1,150,996 alleles (0.000087%); highest among the groups gnomAD compares: African/African-American, 0.0018%; no homozygotes.

Submission:

GeneDx
Classification: Uncertain significance. Last evaluated: 2023-05-13. Review status: criteria provided, single submitter. Criteria: GeneDx Variant Classification Process June 2021. Collection method: clinical testing. Allele origin: germline. Affected: yes.
Comment: Not observed at significant frequency in large population cohorts (gnomAD); In silico analysis supports that this missense variant does not alter protein structure/function; Has not been previously published as pathogenic or benign to our knowledge